The following is an entry in ClinVar:

NM_001145809.2(MYH14):c.1198C>G (p.Pro400Ala)

Gene: MYH14 (myosin heavy chain 14; plus strand). Cytogenetic location: 19q13.33.
Variant type: single nucleotide variant.
Coding change: c.1198C>G on transcript NM_001145809.2 (MANE Select); coding-DNA position 1198, C replaced by G.
Protein change: p.Pro400Ala; replaces proline 400 with alanine.
Molecular consequence: missense variant.
Genome position (GRCh38, 1-based): chr19:50,244,325, C>G. VCF-style: chr19-50244325-C-G. GRCh37 (hg19) VCF-style: chr19-50747582-C-G.
Other names: c.1198C>G, p.Pro400Ala (NM_001077186.2); c.1174C>G, p.Pro392Ala (NM_024729.4); short protein forms P392A, P400A.
Identifiers: ClinVar variation 3615411 (VCV003615411.2).
Genomic context (GRCh38, chr19:50,244,325, plus strand): 5'-GTTCTCCAGTTTGGCAACATTGCCTTGAAGAGAGAACGGAACACCGATCAAGCCACCATG[C>G]CTGACAACACAGGTACTGCCCCCGGCCTGCCTGCCCACGACCTCCAGCCCCCGCCCAGGT-3'
Protein context (NP_001139281.1, residues 390-410): RERNTDQATM[Pro400Ala]DNTAAQKLCR

ClinVar aggregate classification (germline): Uncertain significance (1 of 4 stars; one submission).

gnomAD v4.1: 1 of 1,613,522 alleles (0.000062%); highest among the groups gnomAD compares: Admixed American, 0.0017%; no homozygotes.

Submission:

Labcorp Genetics (formerly Invitae), Labcorp
Classification: Uncertain significance. Last evaluated: 2024-06-28. Review status: criteria provided, single submitter. Criteria: Invitae Variant Classification Sherloc (09022015). Collection method: clinical testing. Allele origin: germline.
Comment: This sequence change replaces proline, which is neutral and non-polar, with alanine, which is neutral and non-polar, at codon 392 of the MYH14 protein (p.Pro392Ala). This variant is present in population databases (rs532887367, gnomAD 0.003%). This variant has not been reported in the literature in individuals affected with MYH14-related conditions. Advanced modeling of protein sequence and biophysical properties (such as structural, functional, and spatial information, amino acid conservation, physicochemical variation, residue mobility, and thermodynamic stability) performed at Invitae indicates that this missense variant is expected to disrupt MYH14 protein function with a positive predictive value of 80%. In summary, the available evidence is currently insufficient to determine the role of this variant in disease. Therefore, it has been classified as a Variant of Uncertain Significance.